The following is an entry in ClinVar:

ClinVar aggregate classification (germline): Uncertain significance. Review status: criteria provided, multiple submitters, no conflicts (2 of 4 stars). 3 submissions from 3 submitters: Uncertain significance (3). Last evaluated 2024-10-06.

Conditions:
Hereditary cancer-predisposing syndrome. Also called: Hereditary neoplastic syndrome; Tumor predisposition; Neoplastic Syndromes, Hereditary; Hereditary Cancer Syndrome. Identifiers: Orphanet 140162, MedGen C0027672, MeSH D009386, MONDO:0015356.
Colorectal cancer, susceptibility to, 12 (CRCS12). Also called: COLORECTAL CANCER, SUSCEPTIBILITY TO, ON CHROMOSOME 12q24. Identifiers: Orphanet 220460, MedGen C3554460, MONDO:0014038, OMIM 615083.

Submissions (3):

Labcorp Genetics (formerly Invitae), Labcorp
Classification: Uncertain significance. Last evaluated: 2024-10-06. Review status: criteria provided, single submitter. Criteria: Invitae Variant Classification Sherloc (09022015). Collection method: clinical testing. Allele origin: germline.
Comment: This sequence change replaces arginine, which is basic and polar, with proline, which is neutral and non-polar, at codon 705 of the POLE protein (p.Arg705Pro). This variant is not present in population databases (gnomAD no frequency). This variant has not been reported in the literature in individuals affected with POLE-related conditions. ClinVar contains an entry for this variant (Variation ID: 954159). Invitae Evidence Modeling of protein sequence and biophysical properties (such as structural, functional, and spatial information, amino acid conservation, physicochemical variation, residue mobility, and thermodynamic stability) indicates that this missense variant is expected to disrupt POLE protein function with a positive predictive value of 80%. In summary, the available evidence is currently insufficient to determine the role of this variant in disease. Therefore, it has been classified as a Variant of Uncertain Significance.

Ambry Genetics
Classification: Uncertain significance for Hereditary cancer-predisposing syndrome. Last evaluated: 2024-09-05. Review status: criteria provided, single submitter. Criteria: Ambry Variant Classification Scheme 2023. Collection method: clinical testing. Allele origin: germline.
Comment: The p.R705P variant (also known as c.2114G>C), located in coding exon 19 of the POLE gene, results from a G to C substitution at nucleotide position 2114. The arginine at codon 705 is replaced by proline, an amino acid with dissimilar properties. This amino acid position is conserved. In addition, the in silico prediction for this alteration is inconclusive. Based on the available evidence, the clinical significance of this variant remains unclear.

St. Jude Molecular Pathology, St. Jude Children's Research Hospital
Classification: Uncertain significance for Colorectal cancer, susceptibility to, 12. Last evaluated: 2022-09-02. Review status: criteria provided, single submitter. Criteria: St. Jude Assertion Criteria 2020. Collection method: clinical testing. Allele origin: germline.
Comment: The POLE c.2114G>C (p.Arg705Pro) missense change is absent in gnomAD v2.1.1. The in silico tool REVEL is inconclusive about a pathogenic or benign effect of this variant on protein function, and to our knowledge, functional studies have not been performed. To our knowledge, this variant has not been reported in the literature in individuals with POLE-related disease.  In summary, the evidence currently available is insufficient to determine the clinical significance of this variant. It has therefore been classified as of uncertain significance.

NM_006231.4(POLE):c.2114G>C (p.Arg705Pro)

Gene: POLE (DNA polymerase epsilon, catalytic subunit; minus strand). Cytogenetic location: 12q24.33.
Variant type: single nucleotide variant.
Coding change: c.2114G>C on transcript NM_006231.4 (MANE Select); coding-DNA position 2114, G replaced by C.
Protein change: p.Arg705Pro; replaces arginine 705 with proline.
Molecular consequence: missense variant.
Genome position (GRCh38, 1-based): chr12:132,668,415, C>G on the plus strand (G>C on the coding strand, the complement: POLE is on the minus strand). VCF-style: chr12-132668415-C-G. GRCh37 (hg19) VCF-style: chr12-133245001-C-G.
Other names: c.2114G>C (NM_006231.2); short protein forms R705P.
Identifiers: ClinVar variation 954159 (VCV000954159.11), dbSNP rs773738016, ClinGen allele CA387353883.